The following is an entry in ClinVar:

ClinVar aggregate classification (germline): Uncertain significance (1 of 4 stars; one submission).

Conditions:
Hypertrophic cardiomyopathy. Also called: HYPERTROPHIC MYOCARDIOPATHY. Identifiers: Orphanet 217569, MedGen C0007194, MeSH D002312, MONDO:0005045, HP:0001639.

Submission:

Labcorp Genetics (formerly Invitae), Labcorp
Classification: Uncertain significance for Hypertrophic cardiomyopathy. Last evaluated: 2022-12-23. Review status: criteria provided, single submitter. Criteria: Invitae Variant Classification Sherloc (09022015). Collection method: clinical testing. Allele origin: germline.
Comment: This missense change has been observed in individual(s) with hypertrophic cardiomyopathy (PMID: 27532257). In summary, the available evidence is currently insufficient to determine the role of this variant in disease. Therefore, it has been classified as a Variant of Uncertain Significance. Algorithms developed to predict the effect of missense changes on protein structure and function are either unavailable or do not agree on the potential impact of this missense change (SIFT: "Tolerated"; PolyPhen-2: "Not Available"; Align-GVGD: "Class C0"). The frequency data for this variant in the population databases is considered unreliable, as metrics indicate poor data quality at this position in the gnomAD database. This sequence change replaces alanine, which is neutral and non-polar, with serine, which is neutral and polar, at codon 22 of the MYL3 protein (p.Ala22Ser).

Literature cited by the submitters: PubMed 27532257.

NM_000258.3(MYL3):c.64G>T (p.Ala22Ser)

Gene: MYL3 (myosin light chain 3; minus strand). Cytogenetic location: 3p21.31.
Variant type: single nucleotide variant.
Coding change: c.64G>T on transcript NM_000258.3 (MANE Select); coding-DNA position 64, G replaced by T.
Protein change: p.Ala22Ser; replaces alanine 22 with serine.
Molecular consequence: missense variant.
Genome position (GRCh38, 1-based): chr3:46,863,327, C>A on the plus strand (G>T on the coding strand, the complement: MYL3 is on the minus strand). VCF-style: chr3-46863327-C-A. GRCh37 (hg19) VCF-style: chr3-46904817-C-A.
Other names: c.64G>T, p.Ala22Ser (NM_001406937.1, NM_001406938.1, NM_001406939.1); short protein forms A22S.
Identifiers: ClinVar variation 2734491 (VCV002734491.3), dbSNP rs1427839320, ClinGen allele CA352499714.